The following is an entry in ClinVar:

NM_002185.5(IL7R):c.916T>A (p.Cys306Ser)

Gene: IL7R (interleukin 7 receptor; plus strand). Cytogenetic location: 5p13.2.
Variant type: single nucleotide variant.
Coding change: c.916T>A on transcript NM_002185.5 (MANE Select); coding-DNA position 916, T replaced by A.
Protein change: p.Cys306Ser; replaces cysteine 306 with serine.
Molecular consequence: missense variant. On other transcripts: non-coding transcript variant (1).
Genome position (GRCh38, 1-based): chr5:35,876,022, T>A. VCF-style: chr5-35876022-T-A. GRCh37 (hg19) VCF-style: chr5-35876124-T-A.
Other names: short protein forms C306S.
Identifiers: ClinVar variation 661330 (VCV000661330.6), dbSNP rs748055663, ClinGen allele CA116975757.

ClinVar aggregate classification (germline): Uncertain significance (1 of 4 stars; one submission).

Conditions:
Immunodeficiency 104. Also called: Severe combined immunodeficiency, autosomal recessive, T cell-negative, B cell-positive, NK cell-positive; SCID, AUTOSOMAL RECESSIVE, T CELL-NEGATIVE, B CELL-POSITIVE, NK CELL-POSITIVE; IMMUNODEFICIENCY 104, SEVERE COMBINED; Severe Combined Immune Deficiency, Autosomal Recessive, TCell -Negative, B Cell-Positive, NK Cell-Positive, IL7R-Related. Identifiers: MedGen C5676890, MONDO:0012163, OMIM 608971.

Allele frequency attached by ClinVar (database versions not stated): gnomAD exomes below 0.00001; TOPMed below 0.00001.

Submission:

Labcorp Genetics (formerly Invitae), Labcorp
Classification: Uncertain significance for Immunodeficiency 104. Last evaluated: 2021-09-01. Review status: criteria provided, single submitter. Criteria: Invitae Variant Classification Sherloc (09022015). Collection method: clinical testing. Allele origin: germline.
Comment: This sequence change replaces cysteine with serine at codon 306 of the IL7R protein (p.Cys306Ser). The cysteine residue is highly conserved and there is a moderate physicochemical difference between cysteine and serine. This variant is not present in population databases (ExAC no frequency). This variant has not been reported in the literature in individuals affected with IL7R-related conditions. Algorithms developed to predict the effect of missense changes on protein structure and function are either unavailable or do not agree on the potential impact of this missense change (SIFT: "Deleterious"; PolyPhen-2: "Probably Damaging"; Align-GVGD: "Class C0"). Algorithms developed to predict the effect of sequence changes on RNA splicing suggest that this variant may create or strengthen a splice site. In summary, the available evidence is currently insufficient to determine the role of this variant in disease. Therefore, it has been classified as a Variant of Uncertain Significance.